The following is an entry in ClinVar:

ClinVar aggregate classification (germline): Uncertain significance. Review status: criteria provided, multiple submitters, no conflicts (2 of 4 stars). 2 submissions from 2 submitters: Uncertain significance (2). Last evaluated 2022-12-01.

Submissions (2):

GeneDx
Classification: Uncertain significance. Last evaluated: 2022-12-01. Review status: criteria provided, single submitter. Criteria: GeneDx Variant Classification Process June 2021. Collection method: clinical testing. Allele origin: germline. Affected: yes.
Comment: Not observed at significant frequency in large population cohorts (gnomAD); In silico analysis suggests this variant may impact gene splicing. In the absence of RNA/functional studies, the actual effect of this sequence change is unknown.; In silico analysis supports that this missense variant does not alter protein structure/function; Has not been previously published as pathogenic or benign to our knowledge

Labcorp Genetics (formerly Invitae), Labcorp
Classification: Uncertain significance. Last evaluated: 2021-09-15. Review status: criteria provided, single submitter. Criteria: Invitae Variant Classification Sherloc (09022015). Collection method: clinical testing. Allele origin: germline.
Comment: In summary, the available evidence is currently insufficient to determine the role of this variant in disease. Therefore, it has been classified as a Variant of Uncertain Significance. Algorithms developed to predict the effect of missense changes on protein structure and function (SIFT, PolyPhen-2, Align-GVGD) all suggest that this variant is likely to be tolerated. This variant has not been reported in the literature in individuals affected with RORB-related conditions. This variant is not present in population databases (ExAC no frequency). This sequence change replaces asparagine with serine at codon 439 of the RORB protein (p.Asn439Ser). The asparagine residue is moderately conserved and there is a small physicochemical difference between asparagine and serine.

NM_006914.4(RORB):c.1316A>G (p.Asn439Ser)

Genes: RORB (RAR related orphan receptor B; plus strand), LOC124310566 (Sharpr-MPRA regulatory region 9792; plus strand). Cytogenetic location: 9q21.13.
Variant type: single nucleotide variant.
Coding change: c.1316A>G on transcript NM_006914.4 (MANE Select); coding-DNA position 1316, A replaced by G.
Protein change: p.Asn439Ser; replaces asparagine 439 with serine.
Molecular consequence: missense variant.
Genome position (GRCh38, 1-based): chr9:74,685,554, A>G. VCF-style: chr9-74685554-A-G. GRCh37 (hg19) VCF-style: chr9-77300470-A-G.
Other names: c.1349A>G, p.Asn450Ser (NM_001365023.1); c.1316A>G (NM_006914.3); short protein forms N439S, N450S.
Identifiers: ClinVar variation 1449120 (VCV001449120.6), dbSNP rs2118583598, ClinGen allele CA373772625.
Genomic context (GRCh38, chr9:74,685,554, plus strand): 5'-TTTGCAACTTGCACGGGGAGAAGCTGCAGGTATTTAAGCAATCTCATCCAGAGATAGTGA[A>G]TACACTGTTTCCTCCGTTATACAAGGAGCTCTTTAATCCTGACTGTGCCACCGGCTGCAA-3'
Protein context (NP_008845.2, residues 429-449): VFKQSHPEIV[Asn439Ser]TLFPPLYKEL